The following is an entry in ClinVar:

NM_182961.4(SYNE1):c.17945T>C (p.Ile5982Thr)

Gene: SYNE1 (spectrin repeat containing nuclear envelope protein 1; minus strand). Cytogenetic location: 6q25.2.
Variant type: single nucleotide variant.
Coding change: c.17945T>C on transcript NM_182961.4 (MANE Select); coding-DNA position 17945, T replaced by C.
Protein change: p.Ile5982Thr; replaces isoleucine 5982 with threonine.
Molecular consequence: missense variant.
Genome position (GRCh38, 1-based): chr6:152,293,655, A>G on the plus strand (T>C on the coding strand, the complement: SYNE1 is on the minus strand). VCF-style: chr6-152293655-A-G. GRCh37 (hg19) VCF-style: chr6-152614790-A-G.
Other names: c.17732T>C (NM_033071.3); c.17732T>C, p.Ile5911Thr (NM_033071.5); short protein forms I5911T, I5982T.
Identifiers: ClinVar variation 1062836 (VCV001062836.11), dbSNP rs375798794, ClinGen allele CA4055088.

ClinVar aggregate classification (germline): Uncertain significance. Review status: criteria provided, multiple submitters, no conflicts (2 of 4 stars). 2 submissions from 2 submitters: Uncertain significance (2). Last evaluated 2020-10-02.

Conditions:
Emery-Dreifuss muscular dystrophy 4, autosomal dominant (EDMD4). Also called: EMERY-DREIFUSS MUSCULAR DYSTROPHY 4 WITH VARIABLE FEATURES. Identifiers: Orphanet 261, MedGen C2751807, MONDO:0013071, OMIM 612998.
Autosomal recessive ataxia, Beauce type. Also called: Spinocerebellar ataxia, autosomal recessive 8; ATAXIA, RECESSIVE, OF BEAUCE; SYNE1 Deficiency; SYNE1-Related Autosomal Recessive Cerebellar Ataxia. Identifiers: Orphanet 88644, MedGen C1853116, MONDO:0012549, OMIM 610743.

Allele frequency attached by ClinVar (database versions not stated): gnomAD exomes below 0.00001; gnomAD 0.00001; ExAC 0.00002; TOPMed 0.00002; ESP Exome Variant Server 0.00008.
gnomAD v4.1: 5 of 1,614,006 alleles (0.00031%); highest among the groups gnomAD compares: South Asian, 0.0033%; no homozygotes.

Submissions (2):

Revvity Omics, Revvity
Classification: Uncertain significance. Last evaluated: 2020-10-02. Review status: criteria provided, single submitter. Criteria: ACMG Guidelines, 2015. Collection method: clinical testing. Allele origin: germline.

Labcorp Genetics (formerly Invitae), Labcorp
Classification: Uncertain significance for Emery-Dreifuss muscular dystrophy 4, autosomal dominant; Autosomal recessive ataxia, Beauce type. Last evaluated: 2020-02-12. Review status: criteria provided, single submitter. Criteria: Invitae Variant Classification Sherloc (09022015). Collection method: clinical testing. Allele origin: germline.
Comment: This sequence change replaces isoleucine with threonine at codon 5911 of the SYNE1 protein (p.Ile5911Thr). The isoleucine residue is moderately conserved and there is a moderate physicochemical difference between isoleucine and threonine. This variant is present in population databases (rs375798794, ExAC 0.01%). This variant has not been reported in the literature in individuals with SYNE1-related conditions. Algorithms developed to predict the effect of missense changes on protein structure and function (SIFT, PolyPhen-2, Align-GVGD) all suggest that this variant is likely to be tolerated, but these predictions have not been confirmed by published functional studies and their clinical significance is uncertain. In summary, the available evidence is currently insufficient to determine the role of this variant in disease. Therefore, it has been classified as a Variant of Uncertain Significance.